The following is an entry in ClinVar:

ClinVar aggregate classification (germline): Uncertain significance (1 of 4 stars; one submission).

Conditions:
BAP1-related tumor predisposition syndrome (TPDS1). Also called: BAP1 tumor predisposition syndrome; Tumor susceptibility linked to germline BAP1 mutations; COMMON Syndrome; TUMOR PREDISPOSITION SYNDROME 1. Identifiers: Orphanet 289539, MedGen C3280492, MONDO:0013692, OMIM 614327.

Submission:

Labcorp Genetics (formerly Invitae), Labcorp
Classification: Uncertain significance for BAP1-related tumor predisposition syndrome. Last evaluated: 2024-07-02. Review status: criteria provided, single submitter. Criteria: Invitae Variant Classification Sherloc (09022015). Collection method: clinical testing. Allele origin: germline.
Comment: This sequence change replaces glutamine, which is neutral and polar, with histidine, which is basic and polar, at codon 280 of the BAP1 protein (p.Gln280His). This variant is not present in population databases (gnomAD no frequency). This variant has not been reported in the literature in individuals affected with BAP1-related conditions. Advanced modeling of protein sequence and biophysical properties (such as structural, functional, and spatial information, amino acid conservation, physicochemical variation, residue mobility, and thermodynamic stability) performed at Invitae indicates that this missense variant is not expected to disrupt BAP1 protein function with a negative predictive value of 80%. In summary, the available evidence is currently insufficient to determine the role of this variant in disease. Therefore, it has been classified as a Variant of Uncertain Significance.

NM_004656.4(BAP1):c.840G>C (p.Gln280His)

Gene: BAP1 (BRCA1 associated deubiquitinase 1; minus strand). Cytogenetic location: 3p21.1.
Variant type: single nucleotide variant.
Coding change: c.840G>C on transcript NM_004656.4 (MANE Select); coding-DNA position 840, G replaced by C.
Protein change: p.Gln280His; replaces glutamine 280 with histidine.
Molecular consequence: missense variant.
Genome position (GRCh38, 1-based): chr3:52,405,856, C>G on the plus strand (G>C on the coding strand, the complement: BAP1 is on the minus strand). VCF-style: chr3-52405856-C-G. GRCh37 (hg19) VCF-style: chr3-52439872-C-G.
Other names: c.786G>C, p.Gln262His (NM_001410772.1); short protein forms Q262H, Q280H.
Identifiers: ClinVar variation 3708087 (VCV003708087.2).
Genomic context (GRCh38, chr3:52,405,856, plus strand): 5'-CCTGTTTGCTTCCAGCACCAGCGGGGACTTGTTGCTGGCTGACTTGGACTCCTCAGGCAG[C>G]TGTGACTCTTGAGACTTGTGGGTCTGAATCAGCTCTGGCTGTGTTACTCTTATCAGCTAA-3'
Protein context (NP_004647.1, residues 270-290): LIQTHKSQES[Gln280His]LPEESKSASN